The following is an entry in ClinVar:

NM_003309.4(TSPYL1):c.654del (p.Trp221fs)

Genes: DSE (dermatan sulfate epimerase; plus strand), TSPYL1 (TSPY like 1; minus strand). Cytogenetic location: 6q22.1.
Variant type: Deletion.
Coding change: c.654del on transcript NM_003309.4 (MANE Select); coding-DNA position 654, one base deleted (A; older notation c.654delA).
Protein change: p.Trp221fs; shifts the reading frame from tryptophan 221.
Molecular consequence: frameshift variant. On other transcripts: intron variant (6).
Genome position (GRCh38, 1-based): chr6:116,279,177, T deleted on the plus strand (A on the coding strand, the reverse complement: TSPYL1 is on the minus strand); the first of 2 consecutive T bases (chr6:116,279,177-116,279,178); deleting either gives the same sequence. VCF-style (leftmost placement, unchanged base first): chr6-116279176-CT-C. GRCh37 (hg19) VCF-style: chr6-116600339-CT-C.
Other names: c.-641+20211del (NM_001374521.1); c.-611+20211del (NM_001322940.2); c.-54+20211del (NM_001322938.2, NM_001374522.1, NM_001322937.2); c.-954+20211del (NM_001374520.1); short protein forms W221fs.
Identifiers: ClinVar variation 3633069 (VCV003633069.2).

ClinVar aggregate classification (germline): Uncertain significance (1 of 4 stars; one submission).

Submission:

Labcorp Genetics (formerly Invitae), Labcorp
Classification: Uncertain significance. Last evaluated: 2024-01-29. Review status: criteria provided, single submitter. Criteria: Invitae Variant Classification Sherloc (09022015). Collection method: clinical testing. Allele origin: germline.
Comment: This sequence change creates a premature translational stop signal (p.Trp221Glyfs*22) in the TSPYL1 gene. While this is not anticipated to result in nonsense mediated decay, it is expected to disrupt the last 217 amino acid(s) of the TSPYL1 protein. This variant is not present in population databases (gnomAD no frequency). This variant has not been reported in the literature in individuals affected with TSPYL1-related conditions. Experimental studies and prediction algorithms are not available or were not evaluated, and the functional significance of this variant is currently unknown. In summary, the available evidence is currently insufficient to determine the role of this variant in disease. Therefore, it has been classified as a Variant of Uncertain Significance.